The following is an entry in ClinVar:

NM_018847.4(KLHL9):c.984A>C (p.Arg328Ser)

Gene: KLHL9 (kelch like family member 9; minus strand). Cytogenetic location: 9p21.3.
Variant type: single nucleotide variant.
Coding change: c.984A>C on transcript NM_018847.4 (MANE Select); coding-DNA position 984, A replaced by C.
Protein change: p.Arg328Ser; replaces arginine 328 with serine.
Molecular consequence: missense variant.
Genome position (GRCh38, 1-based): chr9:21,333,876, T>G on the plus strand (A>C on the coding strand, the complement: KLHL9 is on the minus strand). VCF-style: chr9-21333876-T-G. GRCh37 (hg19) VCF-style: chr9-21333875-T-G.
Other names: short protein forms R328S.
Identifiers: ClinVar variation 2182811 (VCV002182811.4), dbSNP rs1820217680, ClinGen allele CA373070550.

ClinVar aggregate classification (germline): Uncertain significance (1 of 4 stars; one submission).

Allele frequency attached by ClinVar (database versions not stated): gnomAD exomes below 0.00001; TOPMed 0.00001.
gnomAD v4.1: 3 of 1,613,922 alleles (0.00019%); highest among the groups gnomAD compares: South Asian, 0.0011%; no homozygotes.

Submission:

Labcorp Genetics (formerly Invitae), Labcorp
Classification: Uncertain significance. Last evaluated: 2022-08-04. Review status: criteria provided, single submitter. Criteria: Invitae Variant Classification Sherloc (09022015). Collection method: clinical testing. Allele origin: germline.
Comment: This variant is not present in population databases (gnomAD no frequency). This sequence change replaces arginine, which is basic and polar, with serine, which is neutral and polar, at codon 328 of the KLHL9 protein (p.Arg328Ser). In summary, the available evidence is currently insufficient to determine the role of this variant in disease. Therefore, it has been classified as a Variant of Uncertain Significance. Algorithms developed to predict the effect of missense changes on protein structure and function are either unavailable or do not agree on the potential impact of this missense change (SIFT: "Not Available"; PolyPhen-2: "Benign"; Align-GVGD: "Not Available"). This variant has not been reported in the literature in individuals affected with KLHL9-related conditions.